The following is an entry in ClinVar:

NM_005502.4(ABCA1):c.1664A>C (p.Lys555Thr)

Gene: ABCA1 (ATP binding cassette subfamily A member 1; minus strand). Cytogenetic location: 9q31.1.
Variant type: single nucleotide variant.
Coding change: c.1664A>C on transcript NM_005502.4 (MANE Select); coding-DNA position 1664, A replaced by C.
Protein change: p.Lys555Thr; replaces lysine 555 with threonine.
Molecular consequence: missense variant.
Genome position (GRCh38, 1-based): chr9:104,831,673, T>G on the plus strand (A>C on the coding strand, the complement: ABCA1 is on the minus strand). VCF-style: chr9-104831673-T-G. GRCh37 (hg19) VCF-style: chr9-107593954-T-G.
Other names: short protein forms K555T.
Identifiers: ClinVar variation 1954786 (VCV001954786.5), dbSNP rs2538180126, ClinGen allele CA374324682.
Genomic context (GRCh38, chr9:104,831,673, plus strand): 5'-TCCACTTACCCATCCTTGATTTTATTTGTCCTCTCCACATTGTCAATGTCCATTCGGATC[T>G]TGTACTTGACATGATGGGGCAGCTCAATGCTGCCTGGAGTAATTCCAGTGAACACAATAC-3'
Protein context (NP_005493.2, residues 545-565): SIELPHHVKY[Lys555Thr]IRMDIDNVER

ClinVar aggregate classification (germline): Uncertain significance (1 of 4 stars; one submission).

Allele frequency attached by ClinVar (database versions not stated): gnomAD exomes below 0.00001.
gnomAD v4.1: 1 of 1,614,226 alleles (0.000062%); highest among the groups gnomAD compares: Non-Finnish European, 0.000085%; no homozygotes.

Submission:

Labcorp Genetics (formerly Invitae), Labcorp
Classification: Uncertain significance. Last evaluated: 2025-10-02. Review status: criteria provided, single submitter. Criteria: Invitae Variant Classification Sherloc (09022015). Collection method: clinical testing. Allele origin: germline.
Comment: This sequence change replaces lysine, which is basic and polar, with threonine, which is neutral and polar, at codon 555 of the ABCA1 protein (p.Lys555Thr). This variant is not present in population databases (gnomAD no frequency). This missense change has been observed in individual(s) with clinical features of ABCA1-related conditions (PMID: 15297675). ClinVar contains an entry for this variant (Variation ID: 1954786). Invitae Evidence Modeling of protein sequence and biophysical properties (such as structural, functional, and spatial information, amino acid conservation, physicochemical variation, residue mobility, and thermodynamic stability) indicates that this missense variant is not expected to disrupt ABCA1 protein function with a negative predictive value of 95%. In summary, the available evidence is currently insufficient to determine the role of this variant in disease. Therefore, it has been classified as a Variant of Uncertain Significance.

Literature cited by the submitters: PubMed 15297675.